The following is an entry in ClinVar:

NM_001572.5(IRF7):c.344del (p.Pro115fs)

Gene: IRF7 (interferon regulatory factor 7; minus strand). Cytogenetic location: 11p15.5.
Variant type: Deletion.
Coding change: c.344del on transcript NM_001572.5 (MANE Select); coding-DNA position 344, one base deleted (C; older notation c.344delC).
Protein change: p.Pro115fs; shifts the reading frame from proline 115.
Molecular consequence: frameshift variant.
Genome position (GRCh38, 1-based): chr11:614,847, G deleted on the plus strand (C on the coding strand, the reverse complement: IRF7 is on the minus strand); the first of 3 consecutive G bases (chr11:614,847-614,849); deleting any one gives the same sequence. VCF-style (leftmost placement, unchanged base first): chr11-614846-CG-C. GRCh37 (hg19) VCF-style: chr11-614846-CG-C.
Other names: c.344del, p.Pro115fs (NM_004029.4); c.383del, p.Pro128fs (NM_004031.4); short protein forms P115fs, P128fs.
Identifiers: ClinVar variation 3729592 (VCV003729592.2).

ClinVar aggregate classification (germline): Uncertain significance (1 of 4 stars; one submission).

Conditions:
Immunodeficiency 39 (IMD39). Identifiers: Orphanet 574918, MedGen C4225358, MONDO:0014597, OMIM 616345.

Submission:

Labcorp Genetics (formerly Invitae), Labcorp
Classification: Uncertain significance for Immunodeficiency 39. Last evaluated: 2025-02-02. Review status: criteria provided, single submitter. Criteria: Invitae Variant Classification Sherloc (09022015). Collection method: clinical testing. Allele origin: germline.
Comment: This sequence change creates a premature translational stop signal (p.Pro128Argfs*83) in the IRF7 gene. It is expected to result in an absent or disrupted protein product. However, the current clinical and genetic evidence is not sufficient to establish whether loss-of-function variants in IRF7 cause disease. This variant is not present in population databases (gnomAD no frequency). This variant has not been reported in the literature in individuals affected with IRF7-related conditions. In summary, the available evidence is currently insufficient to determine the role of this variant in disease. Therefore, it has been classified as a Variant of Uncertain Significance.